The following is an entry in ClinVar:

NM_001164508.2(NEB):c.288del (p.Phe96fs)

Gene: NEB (nebulin; minus strand). Cytogenetic location: 2q23.3.
Variant type: Deletion.
Coding change: c.288del on transcript NM_001164508.2 (MANE Select); coding-DNA position 288, one base deleted (T; older notation c.288delT).
Protein change: p.Phe96fs; shifts the reading frame from phenylalanine 96.
Molecular consequence: frameshift variant.
Genome position (GRCh38, 1-based): chr2:151,727,697, A deleted on the plus strand (T on the coding strand, the reverse complement: NEB is on the minus strand); the first of 5 consecutive A bases (chr2:151,727,697-151,727,701); deleting any one gives the same sequence. VCF-style (leftmost placement, unchanged base first): chr2-151727696-TA-T. GRCh37 (hg19) VCF-style: chr2-152584210-TA-T.
Other names: c.288del, p.Phe96fs (NM_001164507.2, NM_001271208.2, NM_004543.5); short protein forms F96fs.
Identifiers: ClinVar variation 1071337 (VCV001071337.7), dbSNP rs2150918170, ClinGen allele CA2499215133.

ClinVar aggregate classification (germline): Pathogenic (1 of 4 stars; one submission).

Conditions:
Nemaline myopathy 2 (NEM2). Also called: Nemaline myopathy 2, autosomal recessive. Identifiers: MedGen C1850569, MONDO:0009725, OMIM 256030.

Submission:

Labcorp Genetics (formerly Invitae), Labcorp
Classification: Pathogenic for Nemaline myopathy 2. Last evaluated: 2020-05-11. Review status: criteria provided, single submitter. Criteria: Invitae Variant Classification Sherloc (09022015). Collection method: clinical testing. Allele origin: germline.
Comment: For these reasons, this variant has been classified as Pathogenic. Loss-of-function variants in NEB are known to be pathogenic (PMID: 25205138). This variant has not been reported in the literature in individuals with NEB-related conditions. This variant is not present in population databases (ExAC no frequency). This sequence change creates a premature translational stop signal (p.Phe96Leufs*55) in the NEB gene. It is expected to result in an absent or disrupted protein product.

Literature cited by the submitters: PubMed 25205138.